The following is an entry in ClinVar:

ClinVar aggregate classification (germline): Likely benign (0 of 4 stars; one submission).

Conditions:
HLTF-related disorder. Also called: HLTF-related condition.

Allele frequency attached by ClinVar (database versions not stated): gnomAD exomes 0.00016; ExAC 0.00049; 1000 Genomes Project 30x 0.00094; 1000 Genomes Project 0.00100; gnomAD 0.00142; TOPMed 0.00181; ESP Exome Variant Server 0.00247.
gnomAD v4.1: 463 of 1,597,330 alleles (0.029%); highest among the groups gnomAD compares: African/African-American, 0.56%; 1 homozygote.

Submission:

PreventionGenetics, part of Exact Sciences
Classification: Likely benign for HLTF-related condition. Last evaluated: 2020-11-24. Review status: no assertion criteria provided. Collection method: clinical testing. Allele origin: germline.
Comment: This variant is classified as likely benign based on ACMG/AMP sequence variant interpretation guidelines (Richards et al. 2015 PMID: 25741868, with internal and published modifications).

NM_003071.4(HLTF):c.1304T>C (p.Ile435Thr)

Gene: HLTF (helicase like transcription factor; minus strand). Cytogenetic location: 3q24.
Variant type: single nucleotide variant.
Coding change: c.1304T>C on transcript NM_003071.4 (MANE Select); coding-DNA position 1304, T replaced by C.
Protein change: p.Ile435Thr; replaces isoleucine 435 with threonine.
Molecular consequence: missense variant.
Genome position (GRCh38, 1-based): chr3:149,059,789, A>G on the plus strand (T>C on the coding strand, the complement: HLTF is on the minus strand). VCF-style: chr3-149059789-A-G. GRCh37 (hg19) VCF-style: chr3-148777576-A-G.
Other names: c.1301T>C, p.Ile434Thr (NM_001318934.2); c.1304T>C, p.Ile435Thr (NM_001318935.2, NM_139048.3); short protein forms I434T, I435T.
Identifiers: ClinVar variation 3051879 (VCV003051879.2), dbSNP rs78525660, ClinGen allele CA2659252.